The following is an entry in ClinVar:

NM_018979.4(WNK1):c.4318A>G (p.Ile1440Val)

Gene: WNK1 (WNK lysine deficient protein kinase 1; plus strand). Cytogenetic location: 12p13.33.
Variant type: single nucleotide variant.
Coding change: c.4318A>G on transcript NM_018979.4 (MANE Select); coding-DNA position 4318, A replaced by G.
Protein change: p.Ile1440Val; replaces isoleucine 1440 with valine.
Molecular consequence: missense variant.
Genome position (GRCh38, 1-based): chr12:885,122, A>G. VCF-style: chr12-885122-A-G. GRCh37 (hg19) VCF-style: chr12-994288-A-G.
Other names: c.5098A>G, p.Ile1700Val (NM_001184985.2); c.3577A>G, p.Ile1193Val (NM_014823.3); c.5074A>G, p.Ile1692Val (NM_213655.5); short protein forms I1692V, I1440V, I1193V, I1700V.
Identifiers: ClinVar variation 1993566 (VCV001993566.4), dbSNP rs1322401725, ClinGen allele CA383330994.

ClinVar aggregate classification (germline): Uncertain significance (1 of 4 stars; one submission).

Conditions:
Neuropathy, hereditary sensory and autonomic, type 2A (HSAN2A). Also called: ACROOSTEOLYSIS, GIACCAI TYPE; ACROOSTEOLYSIS, NEUROGENIC; MORVAN DISEASE; NEUROPATHY, CONGENITAL SENSORY; NEUROPATHY, HEREDITARY SENSORY RADICULAR, AUTOSOMAL RECESSIVE; NEUROPATHY, HEREDITARY SENSORY, TYPE IIA. Identifiers: Orphanet 970, MedGen C2752089, MONDO:0024309, OMIM 201300.
Pseudohypoaldosteronism type 2C (PHA2C). Also called: Pseudohypoaldosteronism Type IIC. Identifiers: Orphanet 757, Orphanet 88940, MedGen C1840391, MONDO:0013778, OMIM 614492.

Allele frequency attached by ClinVar (database versions not stated): gnomAD exomes below 0.00001.
gnomAD v4.1: 1 of 1,614,160 alleles (0.000062%); highest among the groups gnomAD compares: Non-Finnish European, 0.000085%; no homozygotes.

Submission:

Labcorp Genetics (formerly Invitae), Labcorp
Classification: Uncertain significance for Neuropathy, hereditary sensory and autonomic, type 2A; Pseudohypoaldosteronism type 2C. Last evaluated: 2022-05-12. Review status: criteria provided, single submitter. Criteria: Invitae Variant Classification Sherloc (09022015). Collection method: clinical testing. Allele origin: germline.
Comment: This variant is present in population databases (no rsID available, gnomAD 0.0009%). This sequence change replaces isoleucine, which is neutral and non-polar, with valine, which is neutral and non-polar, at codon 1692 of the WNK1 protein (p.Ile1692Val). This variant has not been reported in the literature in individuals affected with WNK1-related conditions. In summary, the available evidence is currently insufficient to determine the role of this variant in disease. Therefore, it has been classified as a Variant of Uncertain Significance. Advanced modeling of protein sequence and biophysical properties (such as structural, functional, and spatial information, amino acid conservation, physicochemical variation, residue mobility, and thermodynamic stability) performed at Invitae indicates that this missense variant is not expected to disrupt WNK1 protein function.